The following is an entry in ClinVar:

ClinVar aggregate classification (germline): Benign/Likely benign. Review status: criteria provided, multiple submitters, no conflicts (2 of 4 stars). 5 submissions from 5 submitters: Benign (3); Likely benign (2). Last evaluated 2026-01-31.

Conditions:
Werner syndrome (WRN). Identifiers: Orphanet 902, MedGen C0043119, MONDO:0010196, OMIM 277700.

Allele frequency attached by ClinVar (database versions not stated): gnomAD exomes 0.00079 and 0.00207; ExAC 0.00259; 1000 Genomes Project 0.00739; 1000 Genomes Project 30x 0.00812; gnomAD 0.00843 and 0.00921; TOPMed 0.00955; ESP Exome Variant Server 0.01023.

Submissions (5):

Labcorp Genetics (formerly Invitae), Labcorp
Classification: Benign for Werner syndrome. Last evaluated: 2026-01-31. Review status: criteria provided, single submitter. Criteria: Invitae Variant Classification Sherloc (09022015). Collection method: clinical testing. Allele origin: germline.

Genome-Nilou Lab
Classification: Benign for Werner syndrome. Last evaluated: 2021-12-05. Review status: criteria provided, single submitter. Criteria: ACMG Guidelines, 2015. Collection method: clinical testing. Allele origin: germline. Affected: no.

GeneDx
Classification: Benign. Last evaluated: 2020-07-16. Review status: criteria provided, single submitter. Criteria: GeneDx Variant Classification Process June 2021. Collection method: clinical testing. Allele origin: germline. Affected: yes.

Illumina Laboratory Services, Illumina
Classification: Likely benign for Werner syndrome. Last evaluated: 2018-01-12. Review status: criteria provided, single submitter. Criteria: ICSL Variant Classification Criteria 13 December 2019. Collection method: clinical testing. Allele origin: germline.
Comment: This variant was observed in the ICSL laboratory as part of a predisposition screen in an ostensibly healthy population. It had not been previously curated by ICSL or reported in the Human Gene Mutation Database (HGMD: prior to June 1st, 2018), and was therefore a candidate for classification through an automated scoring system. Utilizing variant allele frequency, disease prevalence and penetrance estimates, and inheritance mode, an automated score was calculated to assess if this variant is too frequent to cause the disease. Based on the score and internal cut-off values, a variant classified as likely benign is not then subjected to further curation. The score for this variant resulted in a classification of likely benign for this disease.

Breakthrough Genomics
Classification: Likely benign. Review status: criteria provided, single submitter. Criteria: ACMG Guidelines, 2015. Collection method: not provided. Allele origin: germline. Inheritance: Autosomal recessive inheritance. Affected: yes.

NM_000553.6(WRN):c.2241T>G (p.Leu747=)

Gene: WRN (WRN RecQ like helicase; plus strand). Cytogenetic location: 8p12.
Variant type: single nucleotide variant.
Coding change: c.2241T>G on transcript NM_000553.6 (MANE Select); coding-DNA position 2241, T replaced by G.
Protein change: p.Leu747=; no amino-acid change (leucine 747 retained).
Molecular consequence: synonymous variant.
Genome position (GRCh38, 1-based): chr8:31,111,767, T>G. VCF-style: chr8-31111767-T-G. GRCh37 (hg19) VCF-style: chr8-30969283-T-G.
Identifiers: ClinVar variation 238138 (VCV000238138.18), dbSNP rs2230011, ClinGen allele CA4704681.